The following continues an entry in ClinVar:

NM_001048174.2(MUTYH):c.616G>A (p.Val206Met)

Gene: MUTYH. ClinVar aggregate classification (germline): Conflicting classifications of pathogenicity. Pathogenic (4); Likely pathogenic (11); Uncertain significance (6).

Submissions 18 to 22 of 22:

Sema4
Classification: Uncertain significance for Hereditary cancer-predisposing syndrome. Last evaluated: 2021-12-20. Review status: criteria provided, single submitter. Criteria: Sema4 Curation Guidelines. Collection method: curation. Allele origin: germline.
Comment: The MUTYH c.700G>A (p.V234M) variant, also known as V220M, has been reported in individuals with colorectal cancer and polyposis (PMID: 14991577, 16774938, 25980754, 30374176). This variant was identified in one family, where it was found to segregate in compound heterozygosity with a pathogenic MUTYH variant with colorectal cancer and/or polyps across five meioses/individuals (PMID: 30374176). Functional studies in an E. coli-based complementation assay have shown that this variant results in partially defective base excision repair activity (PMID: 25820570); however, functional studies in human cells reported that this variant resulted in nearly fully retained DNA glycosylase activity in vitro and mutation suppression ability comparable to wild-type (PMID: 26694661). It was observed in 23/128662 chromosomes of the Non-Finnish European subpopulation, with no homozygotes, in the large and broad cohorts of the Genome Aggregation Database (PMID: 32461654). The variant has been reported in ClinVar (Variation ID: 413907). In silico tools suggest the impact of the variant on protein function is deleterious. The evidence is insufficient to meet ACMG/AMP criteria for classifying the variant as benign or pathogenic. Thus, the clinical significance of this variant is currently uncertain.

Laboratory for Molecular Medicine, Mass General Brigham Personalized Medicine
Classification: Uncertain significance for Familial adenomatous polyposis 2. Last evaluated: 2021-06-07. Review status: criteria provided, single submitter. Criteria: ACMG Guidelines, 2015. Collection method: clinical testing. Allele origin: germline.
Comment: The p.Val234Met variant in MUTYH has been reported in at least 3 individuals with colorectal cancer (Fleischmann 2004 PMID: 14991577, Peterlongo 2006 PMID: 16774938, Tsai 2019 PMID: 30374176). In one family, the variant was identified in trans with the pathogenic p.Tyr179Cys variant and these variants segregated in 4 affected siblings who had colon cancer or polyposis (Tsai 2019 PMID: 30374176). Furthermore, this variant has also been reported by one clinical laboratory in ClinVar in an individual with a personal and family history of colon cancer who also harbored a pathogenic MUTYH frameshift variant (ClinVar variation ID 135989, SCV001159672.1). In vitro functional studies are contradictory with one study providing evidence that the p.Val234Met variant may impact protein function (Komine 2015, PMID: 25820570), while another study showed that the protein function is fully retained (Shinmura 2016, PMID: 26694661). However, these types of assays may not accurately represent biological function. This variant has been identified in 0.01% (23/128662) of European chromosomes by gnomAD; however, this frequency is low enough to be consistent with a recessive carrier frequency. Computational prediction tools and conservation analysis do not provide strong support for or against an impact to the protein. In summary, while there is some suspicion for a pathogenic role, the clinical significance of this variant is uncertain. ACMG/AMP criteria applied: PM3, PM2_Supporting, PP1_Moderate.

Genetic Services Laboratory, University of Chicago
Classification: Uncertain significance. Last evaluated: 2019-04-10. Review status: criteria provided, single submitter. Criteria: ACMG Guidelines, 2015. Collection method: clinical testing. Allele origin: germline. Affected: no.

University of Washington Department of Laboratory Medicine, University of Washington
Classification: Likely pathogenic for MYH-associated polyposis. Last evaluated: 2018-02-16. Review status: criteria provided, single submitter. Criteria: Tsai GJ et al. (Genet Med 2018). Collection method: research. Allele origin: germline. Inheritance: Autosomal recessive inheritance. Affected: yes.
Comment: The MUTYH variant designated as NM_001128425.1:c.700G>A (p.Val234Met) is classified as likely pathogenic. In one observed family, this variant co-occurs with a known pathogenic variant (MUTYH p.Tyr179Cys or p.Y179C) in MUTYH in five siblings who each have a documented history of multiple colon polyps and/or colon cancer. The variant was shown to be in trans configuration with the MUTYH p.Y179C variant. This genomic position is highly conserved. Experimental studies of this variant have shown that it partially impairs MUTYH protein function (Komine 2015, PMID: 25820570). This variant is listed in population databases and is present in 1/5500 individuals of European descent. Bayesian analysis integrating all of this data (Tavtigian et al, 2018) gives about 98% probability of pathogenicity, which is consistent with a classification of likely pathogenic. MUTYH p.Val234Met is expected to alter MUTYH function and increase the risk of developing colon cancer, multiple colon polyps, and other features of MYH-associated polyposis when it co-occurs with a pathogenic mutation in MUTYH (Morak 2010, PMID 20618354; Grover 2012, PMID: 22851115). This analysis was performed in conjunction with the family studies project as part of the University of Washington Find My Variant Study.

Counsyl
Classification: Uncertain significance for Familial adenomatous polyposis 2. Last evaluated: 2015-11-18. Review status: no assertion criteria provided. Collection method: clinical testing. Allele origin: unknown. Not counted in ClinVar's aggregate classification.

Literature cited by the submitters: PubMed 14991577 (cited by 10 submitters); PubMed 16774938 (cited by 11 submitters); PubMed 30374176 (cited by 10 submitters); PubMed 25820570 (cited by 10 submitters); PubMed 26694661 (cited by 9 submitters); PubMed 39403956 (cited by Center for Genomic Medicine, Rigshospitalet, Copenhagen University Hospital); PubMed 15326180 (cited by Ambry Genetics); PubMed 28944238 (cited by 3 submitters); PubMed 31422818 (cited by 3 submitters); PubMed 33436027 (cited by 3 submitters); PubMed 9846876 (cited by Ambry Genetics); PubMed 20618354 (cited by Color Diagnostics, LLC DBA Color Health and All of Us Research Program, National Institutes of Health); PubMed 25980754 (cited by 8 submitters); PubMed 26377631 (cited by Women's Health and Genetics/Laboratory Corporation of America, LabCorp); PubMed 20725929 (cited by Women's Health and Genetics/Laboratory Corporation of America, LabCorp); PubMed 17161978 (cited by Women's Health and Genetics/Laboratory Corporation of America, LabCorp); PubMed 17581577 (cited by Women's Health and Genetics/Laboratory Corporation of America, LabCorp); PubMed 26580448 (cited by Women's Health and Genetics/Laboratory Corporation of America, LabCorp); PubMed 29360161 (cited by Women's Health and Genetics/Laboratory Corporation of America, LabCorp and Department of Pathology and Laboratory Medicine, Sinai Health System); PubMed 35176137 (cited by Women's Health and Genetics/Laboratory Corporation of America, LabCorp); PubMed 38397143 (cited by Women's Health and Genetics/Laboratory Corporation of America, LabCorp); PubMed 38196581 (cited by Women's Health and Genetics/Laboratory Corporation of America, LabCorp); PubMed 36744932 (cited by Quest Diagnostics Nichols Institute San Juan Capistrano); PubMed 34326862 (cited by Quest Diagnostics Nichols Institute San Juan Capistrano); PubMed 33850299 (cited by Quest Diagnostics Nichols Institute San Juan Capistrano); PubMed 33471991 (cited by Quest Diagnostics Nichols Institute San Juan Capistrano and Department of Pathology and Laboratory Medicine, Sinai Health System).